The following is an entry in ClinVar:

ClinVar aggregate classification (germline): Uncertain significance (1 of 4 stars; one submission).

Conditions:
Hereditary sensory and autonomic neuropathy type 6. Also called: HSAN VI; Neuropathy, hereditary sensory and autonomic, type VI. Identifiers: Orphanet 314381, MedGen C3539003, MONDO:0013839, OMIM 614653.
Epidermolysis bullosa simplex 3, localized or generalized intermediate, with BP230 deficiency (EBS3). Also called: Epidermolysis bullosa simplex, autosomal recessive 2; Epidermolysis bullosa simplex due to BP230 deficiency. Identifiers: Orphanet 412181, MedGen C3809470, MONDO:0014180, OMIM 615425.

Submission:

Labcorp Genetics (formerly Invitae), Labcorp
Classification: Uncertain significance for Epidermolysis bullosa simplex 3, localized or generalized intermediate, with BP230 deficiency; Hereditary sensory and autonomic neuropathy type 6. Last evaluated: 2021-09-02. Review status: criteria provided, single submitter. Criteria: Invitae Variant Classification Sherloc (09022015). Collection method: clinical testing. Allele origin: germline.
Comment: This sequence change replaces alanine with glutamic acid at codon 1067 of the DST protein (p.Ala1067Glu). The alanine residue is highly conserved and there is a moderate physicochemical difference between alanine and glutamic acid. This variant is not present in population databases (ExAC no frequency). This variant has not been reported in the literature in individuals affected with DST-related conditions. Algorithms developed to predict the effect of missense changes on protein structure and function are either unavailable or do not agree on the potential impact of this missense change (SIFT: "Deleterious"; PolyPhen-2: "Possibly Damaging"; Align-GVGD: "Class C0"). In summary, the available evidence is currently insufficient to determine the role of this variant in disease. Therefore, it has been classified as a Variant of Uncertain Significance.

NM_001374736.1(DST):c.4811C>A (p.Ala1604Glu)

Gene: DST (dystonin; minus strand). Cytogenetic location: 6p12.1.
Variant type: single nucleotide variant.
Coding change: c.4811C>A on transcript NM_001374736.1 (MANE Select); coding-DNA position 4811, C replaced by A.
Protein change: p.Ala1604Glu; replaces alanine 1604 with glutamic acid.
Molecular consequence: missense variant.
Genome position (GRCh38, 1-based): chr6:56,625,176, G>T on the plus strand (C>A on the coding strand, the complement: DST is on the minus strand). VCF-style: chr6-56625176-G-T. GRCh37 (hg19) VCF-style: chr6-56489974-G-T.
Other names: c.4712C>A, p.Ala1571Glu (NM_001144769.5); c.4298C>A, p.Ala1433Glu (NM_001144770.2); c.4811C>A, p.Ala1604Glu (NM_001374722.1); c.4178C>A, p.Ala1393Glu (NM_001374729.1, NM_001374730.1, NM_001386100.1 and 1 more transcripts); c.4838C>A, p.Ala1613Glu (NM_001374734.1); c.3200C>A, p.Ala1067Glu (NM_001723.7, NM_015548.5); short protein forms A1067E, A1393E, A1433E, A1571E, A1604E, A1613E.
Identifiers: ClinVar variation 641962 (VCV000641962.6), dbSNP rs1586982591, ClinGen allele CA364572713.